The following is an entry in ClinVar:

ClinVar aggregate classification (germline): Uncertain significance (1 of 4 stars; one submission).

Conditions:
Baller-Gerold syndrome (BGS). Also called: CRANIOSYNOSTOSIS WITH RADIAL DEFECTS. Identifiers: Orphanet 1225, MedGen C0265308, MONDO:0009039, OMIM 218600.

Allele frequency attached by ClinVar (database versions not stated): ExAC 0.00001.

Submission:

Labcorp Genetics (formerly Invitae), Labcorp
Classification: Uncertain significance for Baller-Gerold syndrome. Last evaluated: 2022-01-18. Review status: criteria provided, single submitter. Criteria: Invitae Variant Classification Sherloc (09022015). Collection method: clinical testing. Allele origin: germline.
Comment: In summary, the available evidence is currently insufficient to determine the role of this variant in disease. Therefore, it has been classified as a Variant of Uncertain Significance. Experimental studies and prediction algorithms are not available or were not evaluated, and the functional significance of this variant is currently unknown. This variant has not been reported in the literature in individuals affected with RECQL4-related conditions. This variant is present in population databases (rs746652018, gnomAD 0.0009%). This sequence change replaces alanine, which is neutral and non-polar, with threonine, which is neutral and polar, at codon 551 of the RECQL4 protein (p.Ala551Thr).

NM_004260.4(RECQL4):c.1651G>A (p.Ala551Thr)

Gene: RECQL4 (RecQ like helicase 4; minus strand). Cytogenetic location: 8q24.3.
Variant type: single nucleotide variant.
Coding change: c.1651G>A on transcript NM_004260.4 (MANE Select); coding-DNA position 1651, G replaced by A.
Protein change: p.Ala551Thr; replaces alanine 551 with threonine.
Molecular consequence: missense variant.
Genome position (GRCh38, 1-based): chr8:144,514,495, C>T on the plus strand (G>A on the coding strand, the complement: RECQL4 is on the minus strand). VCF-style: chr8-144514495-C-T. GRCh37 (hg19) VCF-style: chr8-145739879-C-T.
Other names: c.1555G>A, p.Ala519Thr (NM_001413017.1, NM_001413020.1); c.1651G>A, p.Ala551Thr (NM_001413018.1, NM_001413019.1, NM_001413033.1 and 1 more transcripts); c.580G>A, p.Ala194Thr (NM_001413021.1, NM_001413022.1, NM_001413023.1 and 7 more transcripts); c.1522G>A, p.Ala508Thr (NM_001413025.1); c.514G>A, p.Ala172Thr (NM_001413027.1, NM_001413030.1, NM_001413031.1 and 2 more transcripts); c.1300G>A, p.Ala434Thr (NM_001413029.1); c.1621G>A, p.Ala541Thr (NM_001413039.1); c.550G>A, p.Ala184Thr (NM_001413042.1); and 1 more; short protein forms A184T, A551T, A62T, A541T, A434T, A172T, A194T, A508T.
Identifiers: ClinVar variation 2087491 (VCV002087491.4), dbSNP rs746652018, ClinGen allele CA4948725.